The following is an entry in ClinVar:

ClinVar aggregate classification (germline): Benign. Review status: criteria provided, multiple submitters, no conflicts (2 of 4 stars). 2 submissions from 2 submitters: Benign (2). Last evaluated 2018-06-14.

Allele frequency attached by ClinVar (database versions not stated): gnomAD exomes 0.41759; gnomAD 0.54126 and 0.54271; TOPMed 0.56182; 1000 Genomes Project 0.64297; 1000 Genomes Project 30x 0.64725.
gnomAD v4.1: 82,830 of 153,566 alleles (54%); highest among the groups gnomAD compares: African/African-American, 79%; 24,564 homozygotes.

Submissions (9):

GeneDx
Classification: Benign. Last evaluated: 2018-06-14. Review status: criteria provided, single submitter. Criteria: GeneDx Variant Classification (06012015). Collection method: clinical testing. Allele origin: germline. Affected: yes.
Comment: This variant is considered likely benign or benign based on one or more of the following criteria: it is a conservative change, it occurs at a poorly conserved position in the protein, it is predicted to be benign by multiple in silico algorithms, and/or has population frequency not consistent with disease.

Breakthrough Genomics
Classification: Benign. Review status: criteria provided, single submitter. Criteria: ACMG Guidelines, 2015. Collection method: not provided. Allele origin: germline. Inheritance: Autosomal recessive inheritance. Affected: yes.

Dr. Peter K. Rogan Lab, Western University
No classification provided (evidence only). Condition: Malignant lymphoma, large B-cell, diffuse. Review status: no classification provided. Collection method: in vitro. Allele origin: not applicable. Functional consequence: retained intron. Not counted in ClinVar's aggregate classification.

Dr. Peter K. Rogan Lab, Western University
No classification provided (evidence only). Condition: Malignant lymphoma, large B-cell, diffuse. Review status: no classification provided. Collection method: in vitro. Allele origin: not applicable. Functional consequence: retained intron. Not counted in ClinVar's aggregate classification.

Dr. Peter K. Rogan Lab, Western University
No classification provided (evidence only). Condition: Malignant lymphoma, large B-cell, diffuse. Review status: no classification provided. Collection method: in vitro. Allele origin: not applicable. Functional consequence: skipped exon. Not counted in ClinVar's aggregate classification.

Dr. Peter K. Rogan Lab, Western University
No classification provided (evidence only). Condition: Hepatocellular carcinoma. Review status: no classification provided. Collection method: in vitro. Allele origin: not applicable. Functional consequence: skipped exon. Not counted in ClinVar's aggregate classification.

Dr. Peter K. Rogan Lab, Western University
No classification provided (evidence only). Condition: Gastric cancer. Review status: no classification provided. Collection method: in vitro. Allele origin: not applicable. Functional consequence: retained intron. Not counted in ClinVar's aggregate classification.

Dr. Peter K. Rogan Lab, Western University
No classification provided (evidence only). Condition: Gastric cancer. Review status: no classification provided. Collection method: in vitro. Allele origin: not applicable. Functional consequence: retained intron. Not counted in ClinVar's aggregate classification.

Dr. Peter K. Rogan Lab, Western University
No classification provided (evidence only). Condition: Uterine carcinosarcoma. Review status: no classification provided. Collection method: in vitro. Allele origin: not applicable. Functional consequence: retained intron. Not counted in ClinVar's aggregate classification.

NM_001379210.1(SLC25A26):c.499-173G>T

Gene: SLC25A26 (solute carrier family 25 member 26; plus strand). Cytogenetic location: 3p14.1.
Variant type: single nucleotide variant.
Coding change: c.499-173G>T on transcript NM_001379210.1 (MANE Select); 173 bases into the intron before coding-DNA position 499, G replaced by T.
Molecular consequence: intron variant.
Genome position (GRCh38, 1-based): chr3:66,362,687, G>T. VCF-style: chr3-66362687-G-T. GRCh37 (hg19) VCF-style: chr3-66413111-G-T.
Other names: NC_000003.11:g.66413111G>T; c.499-173G>T (NM_173471.4); c.235-173G>T (NM_001350993.1, NM_001164796.1).
Identifiers: ClinVar variation 683910 (VCV000683910.3), dbSNP rs332387, ClinGen allele CA11408428.